The following is an entry in ClinVar:

ClinVar aggregate classification (germline): Uncertain significance (1 of 4 stars; one submission).

Submission:

GeneDx
Classification: Uncertain significance. Last evaluated: 2019-10-08. Review status: criteria provided, single submitter. Criteria: GeneDx Variant Classification Process June 2021. Collection method: clinical testing. Allele origin: germline. Affected: yes.
Comment: Not observed in large population cohorts (Lek et al., 2016); In-silico analysis, which includes splice predictors and evolutionary conservation, is inconclusive as to whether the variant alters gene splicing. In the absence of RNA/functional studies, the actual effect of this sequence change is unknown.; Has not been previously published as pathogenic or benign to our knowledge

NM_001267550.2(TTN):c.40558+6G>C

Gene: TTN (titin; minus strand). Cytogenetic location: 2q31.2.
Variant type: single nucleotide variant.
Coding change: c.40558+6G>C on transcript NM_001267550.2 (MANE Select); 6 bases into the intron after coding-DNA position 40558, G replaced by C.
Molecular consequence: intron variant.
Genome position (GRCh38, 1-based): chr2:178,642,231, C>G on the plus strand (G>C on the coding strand, the complement: TTN is on the minus strand). VCF-style: chr2-178642231-C-G. GRCh37 (hg19) VCF-style: chr2-179506958-C-G.
Other names: c.13363+6G>C (NM_003319.4); c.13939+6G>C (NM_133437.4); c.13738+6G>C (NM_133432.3); c.32854+6G>C (NM_133378.4); c.35635+6G>C (NM_001256850.1).
Identifiers: ClinVar variation 1308905 (VCV001308905.2), dbSNP rs2061335590, ClinGen allele CA2573051794.